The following is an entry in ClinVar:

NM_001035.3(RYR2):c.8818A>G (p.Ile2940Val)

Gene: RYR2 (ryanodine receptor 2; plus strand). Cytogenetic location: 1q43.
Variant type: single nucleotide variant.
Coding change: c.8818A>G on transcript NM_001035.3 (MANE Select); coding-DNA position 8818, A replaced by G.
Protein change: p.Ile2940Val; replaces isoleucine 2940 with valine.
Molecular consequence: missense variant.
Genome position (GRCh38, 1-based): chr1:237,674,834, A>G. VCF-style: chr1-237674834-A-G. GRCh37 (hg19) VCF-style: chr1-237838134-A-G.
Other names: short protein forms I2940V.
Identifiers: ClinVar variation 1764766 (VCV001764766.7), dbSNP rs2547218845, ClinGen allele CA345403414.

ClinVar aggregate classification (germline): Uncertain significance. Review status: criteria provided, multiple submitters, no conflicts (2 of 4 stars). 2 submissions from 2 submitters: Uncertain significance (2). Last evaluated 2026-01-26.

Conditions:
Cardiovascular phenotype. Identifiers: MedGen CN230736.
Catecholaminergic polymorphic ventricular tachycardia 1. Also called: VENTRICULAR TACHYCARDIA, CATECHOLAMINERGIC POLYMORPHIC, 1, WITH OR WITHOUT ATRIAL DYSFUNCTION AND/OR DILATED CARDIOMYOPATHY; VENTRICULAR TACHYCARDIA, STRESS-INDUCED POLYMORPHIC 1; RYR2-Related Catecholaminergic Polymorphic Ventricular Tachycardia. Identifiers: Orphanet 3286, MedGen C1631597, MONDO:0011484, OMIM 604772.

Submissions (2):

Labcorp Genetics (formerly Invitae), Labcorp
Classification: Uncertain significance for Catecholaminergic polymorphic ventricular tachycardia 1. Last evaluated: 2026-01-26. Review status: criteria provided, single submitter. Criteria: Invitae Variant Classification Sherloc (09022015). Collection method: clinical testing. Allele origin: germline.
Comment: This sequence change replaces isoleucine, which is neutral and non-polar, with valine, which is neutral and non-polar, at codon 2940 of the RYR2 protein (p.Ile2940Val). This variant is not present in population databases (gnomAD no frequency). This variant has not been reported in the literature in individuals affected with RYR2-related conditions. ClinVar contains an entry for this variant (Variation ID: 1764766). Invitae Evidence Modeling of protein sequence and biophysical properties (such as structural, functional, and spatial information, amino acid conservation, physicochemical variation, residue mobility, and thermodynamic stability) indicates that this missense variant is not expected to disrupt RYR2 protein function with a negative predictive value of 95%. In summary, the available evidence is currently insufficient to determine the role of this variant in disease. Therefore, it has been classified as a Variant of Uncertain Significance.

Ambry Genetics
Classification: Uncertain significance for Cardiovascular phenotype. Last evaluated: 2022-10-24. Review status: criteria provided, single submitter. Criteria: Ambry Variant Classification Scheme 2023. Collection method: clinical testing. Allele origin: germline.
Comment: The p.I2940V variant (also known as c.8818A>G), located in coding exon 60 of the RYR2 gene, results from an A to G substitution at nucleotide position 8818. The isoleucine at codon 2940 is replaced by valine, an amino acid with highly similar properties. This amino acid position is well conserved in available vertebrate species. In addition, the in silico prediction for this alteration is inconclusive. Since supporting evidence is limited at this time, the clinical significance of this alteration remains unclear.